The following is an entry in ClinVar:

NM_001658.4(ARF1):c.411C>T (p.Ala137=)

Genes: ARF1 (ARF GTPase 1; plus strand), LOC126806039 (CDK7 strongly-dependent group 2 enhancer GRCh37_chr1:228284937-228286136; plus strand). Cytogenetic location: 1q42.13.
Variant type: single nucleotide variant.
Coding change: c.411C>T on transcript NM_001658.4 (MANE Select); coding-DNA position 411, C replaced by T.
Protein change: p.Ala137=; no amino-acid change (alanine 137 retained).
Molecular consequence: synonymous variant.
Genome position (GRCh38, 1-based): chr1:228,097,878, C>T. VCF-style: chr1-228097878-C-T. GRCh37 (hg19) VCF-style: chr1-228285579-C-T.
Other names: c.411C>T, p.Ala137= (NM_001024226.2, NM_001024227.1, NM_001024228.2); c.411C>T (NM_001658.3).
Identifiers: ClinVar variation 2570755 (VCV002570755.28), dbSNP rs143463838, ClinGen allele CA1429766.

ClinVar aggregate classification (germline): Likely benign. Review status: criteria provided, single submitter (1 of 4 stars). 2 submissions from 2 submitters: Likely benign (1). 1 of the submissions does not count toward it. Last evaluated 2026-08-01.

Conditions:
ARF1-related disorder. Also called: ARF1-related condition.

Allele frequency attached by ClinVar (database versions not stated): 1000 Genomes Project 30x 0.00062; 1000 Genomes Project 0.00080; TOPMed 0.00227; gnomAD 0.00228; ExAC 0.00239; ESP Exome Variant Server 0.00323.
gnomAD v4.1: 5,404 of 1,614,060 alleles (0.33%); highest among the groups gnomAD compares: Non-Finnish European, 0.39%; 16 homozygotes.

Submissions (2):

CeGaT Center for Human Genetics Tuebingen
Classification: Likely benign. Last evaluated: 2026-08-01. Review status: criteria provided, single submitter. Criteria: CeGaT Center For Human Genetics Tuebingen Variant Classification Criteria Version 2. Collection method: clinical testing. Allele origin: germline. Affected: yes. Observed: 10 variant alleles.
Comment: ARF1: BP4, BP7, BS2

PreventionGenetics, part of Exact Sciences
Classification: Likely benign for ARF1-related condition. Last evaluated: 2024-05-08. Review status: no assertion criteria provided. Collection method: clinical testing. Allele origin: germline. Not counted in ClinVar's aggregate classification.
Comment: This variant is classified as likely benign based on ACMG/AMP sequence variant interpretation guidelines (Richards et al. 2015 PMID: 25741868, with internal and published modifications).